The following is an entry in ClinVar:

NM_001165963.4(SCN1A):c.237C>G (p.Asp79Glu)

Gene: SCN1A (sodium voltage-gated channel alpha subunit 1; minus strand). Cytogenetic location: 2q24.3.
Variant type: single nucleotide variant.
Coding change: c.237C>G on transcript NM_001165963.4 (MANE Select); coding-DNA position 237, C replaced by G.
Protein change: p.Asp79Glu; replaces aspartic acid 79 with glutamic acid.
Molecular consequence: missense variant. On other transcripts: 5 prime UTR variant (1), non-coding transcript variant (1).
Genome position (GRCh38, 1-based): chr2:166,073,385, G>C on the plus strand (C>G on the coding strand, the complement: SCN1A is on the minus strand). VCF-style: chr2-166073385-G-C. GRCh37 (hg19) VCF-style: chr2-166929895-G-C.
Other names: c.237C>G, p.Asp79Glu (NM_001165964.3, NM_001202435.3, NM_001353948.2 and 10 more transcripts); c.-2189C>G (NM_001353961.2); short protein forms D79E.
Identifiers: ClinVar variation 2917122 (VCV002917122.3), dbSNP rs1276982403, ClinGen allele CA349242702.

ClinVar aggregate classification (germline): Likely pathogenic (1 of 4 stars; one submission).

Conditions:
Early-infantile DEE. Also called: Early infantile epileptic encephalopathy; Early infantile epileptic encephalopathy with suppression bursts; Ohtahara syndrome. Identifiers: Orphanet 1934, MedGen C0393706, MONDO:0800491.

Allele frequency attached by ClinVar (database versions not stated): gnomAD 0.00001; TOPMed 0.00001.
gnomAD v4.1: 1 of 1,613,946 alleles (0.000062%); no homozygotes.

Submission:

Labcorp Genetics (formerly Invitae), Labcorp
Classification: Likely pathogenic for Early-infantile DEE. Last evaluated: 2023-09-08. Review status: criteria provided, single submitter. Criteria: Invitae Variant Classification Sherloc (09022015). Collection method: clinical testing. Allele origin: germline.
Comment: This variant has not been reported in the literature in individuals affected with SCN1A-related conditions. Advanced modeling of protein sequence and biophysical properties (such as structural, functional, and spatial information, amino acid conservation, physicochemical variation, residue mobility, and thermodynamic stability) performed at Invitae indicates that this missense variant is expected to disrupt SCN1A protein function. This variant disrupts the p.Asp79 amino acid residue in SCN1A. Other variant(s) that disrupt this residue have been determined to be pathogenic (Invitae). This suggests that this residue is clinically significant, and that variants that disrupt this residue are likely to be disease-causing. In summary, the currently available evidence indicates that the variant is pathogenic, but additional data are needed to prove that conclusively. Therefore, this variant has been classified as Likely Pathogenic. This variant is present in population databases (no rsID available, gnomAD 0.3%). This sequence change replaces aspartic acid, which is acidic and polar, with glutamic acid, which is acidic and polar, at codon 79 of the SCN1A protein (p.Asp79Glu).